The following is an entry in ClinVar:

ClinVar aggregate classification (germline): Pathogenic (0 of 4 stars; one submission).

Conditions:
Cone-rod dystrophy. Also called: Cone-rod degeneration; Cone/cone-rod dystrophy. Identifiers: Orphanet 1872, MedGen C4085590, MONDO:0015993, HP:0000548.

Submission:

Ophthalmo-Genetics Lab, Instituto de Oftalmologia Conde de Valenciana
Classification: Pathogenic for Cone-rod dystrophy. Last evaluated: 2022-12-20. Review status: no assertion criteria provided. Collection method: research. Allele origin: biparental. Inheritance: Autosomal recessive inheritance. Affected: yes. Observed: 1 compound heterozygote.
Comment: PVS1,PP4,PM2 ACMG Criteria

Literature cited by the submitters: PubMed 35608843.

NM_003816.3(ADAM9):c.17_18del (p.Arg6fs)

Genes: ADAM9 (ADAM metallopeptidase domain 9; plus strand), LOC130000261 (ATAC-STARR-seq lymphoblastoid active region 27275; plus strand). Cytogenetic location: 8p11.22.
Variant type: Microsatellite.
Coding change: c.17_18del on transcript NM_003816.3 (MANE Select); coding-DNA positions 17 to 18, 2 bases deleted (GC; older notation c.17_18delGC).
Protein change: p.Arg6fs; shifts the reading frame from arginine 6.
Molecular consequence: frameshift variant. On other transcripts: non-coding transcript variant (3).
Genome position (GRCh38, 1-based): chr8:38,997,080-38,997,081, GC deleted; deleting any 2 consecutive bases within chr8:38,997,074-38,997,081 gives the same sequence; the c. name uses the placement nearest the transcript's 3' end. VCF-style (leftmost placement, unchanged base first): chr8-38997073-GGC-G. GRCh37 (hg19) VCF-style: chr8-38854592-GGC-G.
Other names: short protein forms R6fs.
Identifiers: ClinVar variation 1804635 (VCV001804635.1), dbSNP rs2491909343, ClinGen allele CA2580614335.
Genomic context (GRCh38, chr8:38,997,073, plus strand): 5'-GCGGAGGTGGAGGCGACCGAGTGCTGAGAGGAACCTGCGGAATCGGCCGAGATGGGGTCT[GGC>G]GCGCGCTTTCCCTCGGGGACCCTTCGTGTCCGGTGGTTGCTGTTGCTTGGCCTGGTGGGC-3'